The following is an entry in ClinVar:

ClinVar aggregate classification (germline): Uncertain significance (1 of 4 stars; one submission).

Conditions:
Epidermodysplasia verruciformis. Identifiers: Orphanet 302, MedGen C0014522, MONDO:0009176.

gnomAD v4.1: 2 of 1,613,966 alleles (0.00012%); highest among the groups gnomAD compares: Admixed American, 0.0033%; no homozygotes.

Submission:

Labcorp Genetics (formerly Invitae), Labcorp
Classification: Uncertain significance for Epidermodysplasia verruciformis. Last evaluated: 2024-06-03. Review status: criteria provided, single submitter. Criteria: Invitae Variant Classification Sherloc (09022015). Collection method: clinical testing. Allele origin: germline.
Comment: This sequence change replaces lysine, which is basic and polar, with asparagine, which is neutral and polar, at codon 770 of the TMC6 protein (p.Lys770Asn). This variant is present in population databases (no rsID available, gnomAD 0.006%). This variant has not been reported in the literature in individuals affected with TMC6-related conditions. An algorithm developed to predict the effect of missense changes on protein structure and function (PolyPhen-2) suggests that this variant is likely to be disruptive. In summary, the available evidence is currently insufficient to determine the role of this variant in disease. Therefore, it has been classified as a Variant of Uncertain Significance.

NM_001127198.5(TMC6):c.2310G>C (p.Lys770Asn)

Gene: TMC6 (transmembrane channel like 6; minus strand). Cytogenetic location: 17q25.3.
Variant type: single nucleotide variant.
Coding change: c.2310G>C on transcript NM_001127198.5 (MANE Select); coding-DNA position 2310, G replaced by C.
Protein change: p.Lys770Asn; replaces lysine 770 with asparagine.
Molecular consequence: missense variant. On other transcripts: non-coding transcript variant (4).
Genome position (GRCh38, 1-based): chr17:78,113,592, C>G on the plus strand (G>C on the coding strand, the complement: TMC6 is on the minus strand). VCF-style: chr17-78113592-C-G. GRCh37 (hg19) VCF-style: chr17-76109673-C-G.
Other names: c.2310G>C, p.Lys770Asn (NM_001321185.1, NM_001374596.1, NM_001375353.1 and 2 more transcripts); c.2130G>C, p.Lys710Asn (NM_001374593.1, NM_001374594.1); short protein forms K770N, K710N.
Identifiers: ClinVar variation 3712885 (VCV003712885.1).